The following is an entry in ClinVar:

NM_014974.3(DIP2C):c.157+4_157+5dup

Gene: DIP2C (DIP2 acetate--CoA ligase C (putative); minus strand). Cytogenetic location: 10p15.3.
Variant type: Duplication.
Coding change: c.157+4_157+5dup on transcript NM_014974.3 (MANE Select); bases 4 to 5 of the intron after coding-DNA position 157, 2 bases duplicated (GG; older notation c.157+4_157+5dupGG).
Molecular consequence: intron variant.
Genome position (GRCh38, 1-based): chr10:486,454-486,455, CC duplicated on the plus strand (GG on the coding strand, the reverse complement: DIP2C is on the minus strand). VCF-style (leftmost placement, unchanged base first): chr10-486453-A-ACC. GRCh37 (hg19) VCF-style: chr10-532393-A-ACC.
Identifiers: ClinVar variation 5008067 (VCV005008067.1).

ClinVar aggregate classification (germline): Uncertain significance (1 of 4 stars; one submission).

Submission:

GeneDx
Classification: Uncertain significance. Last evaluated: 2026-02-25. Review status: criteria provided, single submitter. Criteria: GeneDx Variant Classification Process June 2021. Collection method: clinical testing. Allele origin: germline.
Comment: Not observed at significant frequency in large population cohorts (gnomAD); Has not been previously published as pathogenic or benign to our knowledge; In silico analysis is inconclusive as to whether the variant alters gene splicing. In the absence of RNA/functional studies, the actual effect of this sequence change is unknown.